The following is an entry in ClinVar:

ClinVar aggregate classification (germline): Pathogenic; drug response. Review status: reviewed by expert panel (3 of 4 stars). 12 submissions from 11 submitters: Pathogenic (1). 10 of the submissions do not count toward it. Last evaluated 2021-03-24.

Conditions:
CFTR-related disorder (CFTR-RD). Also called: CFTR-related disorders; CFTR-related condition. Identifiers: MedGen C5924204, MONDO:7770004.
Congenital bilateral aplasia of vas deferens from CFTR mutation (CBAVD). Identifiers: Orphanet 48, MedGen C0403814, MONDO:0010178, OMIM 277180. Disease mechanism: loss of function.
Cystic fibrosis (CF). Also called: MUCOVISCIDOSIS. Identifiers: Orphanet 586, MedGen C0010674, MONDO:0009061, OMIM 219700. Disease mechanism: loss of function.
Bronchiectasis with or without elevated sweat chloride 1 (BESC1). Also called: Cystic Fibrosis-Like Syndrome. Identifiers: Orphanet 60033, MedGen C2749757, MONDO:0008887, OMIM 211400.
Hereditary pancreatitis (PCTT). Also called: Hereditary chronic pancreatitis; PRSS1-Related Hereditary Pancreatitis. Identifiers: Orphanet 676, MedGen C0238339, MONDO:0008185, OMIM 167800.
ivacaftor response - Efficacy. Identifiers: MedGen CN322735.

Allele frequency attached by ClinVar (database versions not stated): gnomAD exomes below 0.00001; ExAC 0.00001.
gnomAD v4.1: 2 of 1,610,964 alleles (0.00012%); highest among the groups gnomAD compares: Non-Finnish European, 0.00017%; no homozygotes.

Submissions (12):

ClinPGx
Classification: drug response for ivacaftor response - Efficacy. Last evaluated: 2021-03-24. Review status: reviewed by expert panel. Criteria: Pharmacogenomics knowledge for personalized medicine. Collection method: curation. Allele origin: germline. Affected: yes.
Comment: PharmGKB Level of Evidence 1A: Level 1A clinical annotations describe variant-drug combinations that have variant-specific prescribing guidance available in a current clinical guideline annotation or an FDA-approved drug label annotation. Annotations of drug labels or clinical guidelines must give prescribing guidance for specific variants (e.g. CYP2C9*3, HLA-B*57:01) or provide mapping from defined allele functions to diplotypes and phenotypes to be used as supporting evidence for a level 1A clinical annotation. Level 1A clinical annotations must also be supported by at least one publication in addition to a clinical guideline or drug label with variant-specific prescribing guidance.

Drug is not necessarily used to treat response condition

CFTR2
Classification: Pathogenic for Cystic fibrosis. Last evaluated: 2017-03-17. Review status: reviewed by expert panel. Criteria: Sosnay PR et al. (Nat Genet 2013). Collection method: research. Allele origin: germline. Affected: yes. Study: CFTR2.

Natera, Inc.
Classification: Pathogenic for CFTR-related disorders. Last evaluated: 2025-11-22. Review status: criteria provided, single submitter. Criteria: Natera Variant Classification Schema (03/2026). Collection method: clinical testing. Allele origin: germline. Not counted in ClinVar's aggregate classification.
Comment: The c.1645A>C variant in CFTR is a missense variant predicted to cause substitution of serine to arginine at amino acid 549. This variant is rare in the general population with a frequency below the threshold expected for the associated phenotype(s). This variant has been observed in one or more individuals affected with the associated recessive disease, as either homozygous or compound heterozygous with a second variant (PMID: 25910067). Given the available evidence, this variant is classified as Pathogenic.

Labcorp Genetics (formerly Invitae), Labcorp
Classification: Pathogenic for Cystic fibrosis. Last evaluated: 2022-10-27. Review status: criteria provided, single submitter. Criteria: Invitae Variant Classification Sherloc (09022015). Collection method: clinical testing. Allele origin: germline. Not counted in ClinVar's aggregate classification.
Comment: This variant is present in population databases (rs121908757, gnomAD 0.0009%). This sequence change replaces serine, which is neutral and polar, with arginine, which is basic and polar, at codon 549 of the CFTR protein (p.Ser549Arg). This missense change has been observed in individual(s) with cystic fibrosis or congenital absence of the vas deferens (PMID: 10923036, 11005149, 16840743, 23082198). In at least one individual the data is consistent with being in trans (on the opposite chromosome) from a pathogenic variant. ClinVar contains an entry for this variant (Variation ID: 38733). Advanced modeling of protein sequence and biophysical properties (such as structural, functional, and spatial information, amino acid conservation, physicochemical variation, residue mobility, and thermodynamic stability) performed at Invitae indicates that this missense variant is expected to disrupt CFTR protein function. This variant disrupts the p.Ser549 amino acid residue in CFTR. Other variant(s) that disrupt this residue have been determined to be pathogenic (PMID: 1695717, 1721624, 7544319, 22658665, 23974870, 24440181, 25042876, 29360847). This suggests that this residue is clinically significant, and that variants that disrupt this residue are likely to be disease-causing. For these reasons, this variant has been classified as Pathogenic.

Quest Diagnostics Nichols Institute San Juan Capistrano
Classification: Pathogenic. Last evaluated: 2022-10-21. Review status: criteria provided, single submitter. Criteria: Quest Diagnostics criteria. Collection method: clinical testing. Allele origin: unknown. Not counted in ClinVar's aggregate classification.
Comment: The frequency of this variant in the general population, 0.000004 (1/250924 chromosomes), is consistent with pathogenicity. In the published literature, the variant has been reported in individuals with cystic fibrosis (CF) (PMID: 1903761 (1991)), pancreatic cancer (PMID: 19885835 (2010)), and congenital bilateral absence of vas deferens (CBAVD) (PMID: 10923036 (2000)). This variant is often detected in trans with another pathogenic CFTR variant in affected individuals (PMIDs: 2236053 (1990), 10652351 (2000)). Functional studies have demonstrated that this variant demonstrates defective chloride transport ability and defective channel gating (PMID: 22293084 (2012)). Other variants at the same residue are known to be pathogenic (PMIDs: 2236053 (1990), 10204861 (1999), 10652351 (2000)). Analysis of this variant using bioinformatics tools for the prediction of the effect of amino acid changes on protein structure and function yielded predictions that this variant is damaging. Based on the available information, this variant is classified as pathogenic.

Mendelics
Classification: Pathogenic for Hereditary pancreatitis. Last evaluated: 2022-05-04. Review status: criteria provided, single submitter. Criteria: Mendelics Assertion Criteria 2019. Collection method: clinical testing. Allele origin: germline. Not counted in ClinVar's aggregate classification.

Baylor Genetics
Classification: Pathogenic for Bronchiectasis with or without elevated sweat chloride 1. Last evaluated: 2021-12-16. Review status: criteria provided, single submitter. Criteria: ACMG Guidelines, 2015. Collection method: clinical testing. Allele origin: unknown. Not counted in ClinVar's aggregate classification.

CFTR-France
Classification: Pathogenic for cystic fibrosis. Last evaluated: 2018-01-29. Review status: criteria provided, single submitter. Criteria: Claustres M et al. (Hum Mutat 2017). Collection method: curation. Allele origin: germline. Affected: yes. Not counted in ClinVar's aggregate classification.

Women's Health and Genetics/Laboratory Corporation of America, LabCorp
Classification: Pathogenic. Last evaluated: 2018-01-26. Review status: criteria provided, single submitter. Criteria: LabCorp Variant Classification Summary - May 2015. Collection method: clinical testing. Allele origin: germline. Not counted in ClinVar's aggregate classification.
Comment: Variant summary: The CFTR c.1645A>C (p.Ser549Arg) variant located in the ABC transporter-like domain involves the alteration of a conserved nucleotide and 5/5 in silico tools predict a damaging outcome for this variant. This variant was found in 1/245714 control chromosomes (gnomAD and publication controls) at a frequency of 0.0000041, which does not exceed the estimated maximal expected allele frequency of a pathogenic CFTR variant (0.0129603). The missense variant, Ser549Arg is caused by multiple nucleotide changes, c.1645A>C, c.1647T>G, and c.1647T>A. The missense change, Ser549Arg, has been reported in multiple affected individuals. In addition, multiple clinical diagnostic laboratories/reputable databases classified this variant as pathogenic. Taken together, this variant is classified as pathogenic.

Baylor Genetics
Classification: Pathogenic for Congenital bilateral aplasia of vas deferens from CFTR mutation; Cystic fibrosis. Review status: criteria provided, single submitter. Criteria: ACMG Guidelines, 2015. Collection method: clinical testing. Allele origin: germline. Not counted in ClinVar's aggregate classification.

Counsyl
Classification: Pathogenic for Cystic fibrosis. Last evaluated: 2016-02-03. Review status: no assertion criteria provided. Collection method: clinical testing. Allele origin: unknown. Not counted in ClinVar's aggregate classification.

OMIM
Classification: Pathogenic for CYSTIC FIBROSIS. Last evaluated: 2000-02-04. Review status: no assertion criteria provided. Collection method: literature only. Allele origin: germline. Not counted in ClinVar's aggregate classification.

Literature cited by the submitters: PubMed 22293084 (cited by ClinPGx and Quest Diagnostics Nichols Institute San Juan Capistrano); PubMed 25266159 (cited by ClinPGx); PubMed 26474553 (cited by ClinPGx); PubMed 28947035 (cited by ClinPGx); PubMed 25910067 (cited by Natera, Inc.); PubMed 10923036 (cited by Labcorp Genetics (formerly Invitae), Labcorp and Quest Diagnostics Nichols Institute San Juan Capistrano); PubMed 11005149 (cited by Labcorp Genetics (formerly Invitae), Labcorp); PubMed 16840743 (cited by Labcorp Genetics (formerly Invitae), Labcorp); PubMed 23082198 (cited by Labcorp Genetics (formerly Invitae), Labcorp); PubMed 1695717 (cited by Labcorp Genetics (formerly Invitae), Labcorp); PubMed 1721624 (cited by Labcorp Genetics (formerly Invitae), Labcorp); PubMed 7544319 (cited by Labcorp Genetics (formerly Invitae), Labcorp); PubMed 22658665 (cited by Labcorp Genetics (formerly Invitae), Labcorp); PubMed 23974870 (cited by 4 submitters); PubMed 24440181 (cited by 3 submitters); PubMed 25042876 (cited by Labcorp Genetics (formerly Invitae), Labcorp); PubMed 29360847 (cited by Labcorp Genetics (formerly Invitae), Labcorp); PubMed 2236053 (cited by Quest Diagnostics Nichols Institute San Juan Capistrano and OMIM); PubMed 10652351 (cited by Quest Diagnostics Nichols Institute San Juan Capistrano and OMIM); PubMed 10204861 (cited by Quest Diagnostics Nichols Institute San Juan Capistrano and OMIM); PubMed 1903761 (cited by 4 submitters); PubMed 29261177 (cited by Quest Diagnostics Nichols Institute San Juan Capistrano); PubMed 22975760 (cited by Quest Diagnostics Nichols Institute San Juan Capistrano); PubMed 19885835 (cited by Quest Diagnostics Nichols Institute San Juan Capistrano); PubMed 10571955 (cited by Women's Health and Genetics/Laboratory Corporation of America, LabCorp); PubMed 10206682 (cited by Women's Health and Genetics/Laboratory Corporation of America, LabCorp); PubMed 18456578 (cited by Counsyl); PubMed 11180668 (cited by Counsyl); PubMed 15638824 (cited by Counsyl); PubMed 10480369 (cited by OMIM).

NM_000492.4(CFTR):c.1645A>C (p.Ser549Arg)

Genes: CFTR (CF transmembrane conductance regulator; plus strand), LOC111674475 (CFTR intron 11 enhancer; plus strand). Cytogenetic location: 7q31.2.
Variant type: single nucleotide variant.
Coding change: c.1645A>C on transcript NM_000492.4 (MANE Select); coding-DNA position 1645, A replaced by C.
Protein change: p.Ser549Arg; replaces serine 549 with arginine.
Molecular consequence: missense variant.
Genome position (GRCh38, 1-based): chr7:117,587,799, A>C. VCF-style: chr7-117587799-A-C. GRCh37 (hg19) VCF-style: chr7-117227853-A-C.
Other names: S549R (A->C); short protein forms S549R.
Identifiers: ClinVar variation 38733 (VCV000038733.36), dbSNP rs121908757, ClinGen allele CA254108.